The following is an entry in ClinVar:

ClinVar aggregate classification (germline): Conflicting classifications of pathogenicity. Review status: criteria provided, conflicting classifications (1 of 4 stars). 3 submissions from 3 submitters: Uncertain significance (2); Likely benign (1). Last evaluated 2025-12-14.

Conditions:
Hereditary cancer-predisposing syndrome. Also called: Neoplastic Syndromes, Hereditary; Hereditary neoplastic syndrome; Tumor predisposition; Hereditary Cancer Syndrome. Identifiers: Orphanet 140162, MedGen C0027672, MeSH D009386, MONDO:0015356.
Familial cancer of breast. Also called: Hereditary breast cancer; BREAST CANCER, FAMILIAL; hereditary breast carcinoma. Identifiers: Orphanet 227535, MedGen C0346153, MONDO:0016419, OMIM 114480. Disease mechanism: loss of function.
Fanconi anemia complementation group J. Also called: BRIP1-Related Fanconi Anemia. Identifiers: Orphanet 84, MedGen C1836860, MONDO:0012187, OMIM 609054.

Allele frequency attached by ClinVar (database versions not stated): TOPMed 0.00001.

Submissions (3):

Labcorp Genetics (formerly Invitae), Labcorp
Classification: Uncertain significance for Familial cancer of breast; Fanconi anemia complementation group J. Last evaluated: 2025-12-14. Review status: criteria provided, single submitter. Criteria: Invitae Variant Classification Sherloc (09022015). Collection method: clinical testing. Allele origin: germline.
Comment: This sequence change replaces serine, which is neutral and polar, with leucine, which is neutral and non-polar, at codon 565 of the BRIP1 protein (p.Ser565Leu). This variant is not present in population databases (gnomAD no frequency). This variant has not been reported in the literature in individuals affected with BRIP1-related conditions. ClinVar contains an entry for this variant (Variation ID: 663037). Invitae Evidence Modeling of protein sequence and biophysical properties (such as structural, functional, and spatial information, amino acid conservation, physicochemical variation, residue mobility, and thermodynamic stability) indicates that this missense variant is not expected to disrupt BRIP1 protein function with a negative predictive value of 95%. In summary, the available evidence is currently insufficient to determine the role of this variant in disease. Therefore, it has been classified as a Variant of Uncertain Significance.

Ambry Genetics
Classification: Likely benign for Hereditary cancer-predisposing syndrome. Last evaluated: 2025-04-22. Review status: criteria provided, single submitter. Criteria: Ambry Variant Classification Scheme 2023. Collection method: clinical testing. Allele origin: germline.

GeneDx
Classification: Uncertain significance. Last evaluated: 2019-09-25. Review status: criteria provided, single submitter. Criteria: GeneDx Variant Classification Process June 2021. Collection method: clinical testing. Allele origin: germline. Affected: yes.
Comment: Not observed in large population cohorts (Lek 2016); In silico analysis, which includes protein predictors and evolutionary conservation, supports that this variant does not alter protein structure/function; Has not been previously published as pathogenic or benign to our knowledge

NM_032043.3(BRIP1):c.1694C>T (p.Ser565Leu)

Gene: BRIP1 (BRCA1 interacting DNA helicase 1; minus strand). Cytogenetic location: 17q23.2.
Variant type: single nucleotide variant.
Coding change: c.1694C>T on transcript NM_032043.3 (MANE Select); coding-DNA position 1694, C replaced by T.
Protein change: p.Ser565Leu; replaces serine 565 with leucine.
Molecular consequence: missense variant.
Genome position (GRCh38, 1-based): chr17:61,780,940, G>A on the plus strand (C>T on the coding strand, the complement: BRIP1 is on the minus strand). VCF-style: chr17-61780940-G-A. GRCh37 (hg19) VCF-style: chr17-59858301-G-A.
Other names: short protein forms S565L.
Identifiers: ClinVar variation 663037 (VCV000663037.14), dbSNP rs1603334619, ClinGen allele CA400480447.
Genomic context (GRCh38, chr17:61,780,940, plus strand): 5'-GCAGTTTTCTGTCGTGAACGTTTCTTATTTTTTGGTAGAACCAACAACCCATTTTTGTCT[G>A]AAATATCAATCTGATTTGTCCAGGAGTAAGTCTGTTGAATCGCAATTTTATAATCATCTG-3'
Protein context (NP_114432.2, residues 555-575): TYSWTNQIDI[Ser565Leu]DKNGLLVLPK